The following is an entry in ClinVar:

NM_002439.5(MSH3):c.2249A>G (p.Gln750Arg)

Gene: MSH3 (mutS homolog 3; plus strand). Cytogenetic location: 5q14.1.
Variant type: single nucleotide variant.
Coding change: c.2249A>G on transcript NM_002439.5 (MANE Select); coding-DNA position 2249, A replaced by G.
Protein change: p.Gln750Arg; replaces glutamine 750 with arginine.
Molecular consequence: missense variant.
Genome position (GRCh38, 1-based): chr5:80,768,999, A>G. VCF-style: chr5-80768999-A-G. GRCh37 (hg19) VCF-style: chr5-80064818-A-G.
Other names: short protein forms Q750R.
Identifiers: ClinVar variation 4860363 (VCV004860363.1).

ClinVar aggregate classification (germline): Uncertain significance (1 of 4 stars; one submission).

Conditions:
Hereditary cancer-predisposing syndrome. Also called: Neoplastic Syndromes, Hereditary; Tumor predisposition; Hereditary Cancer Syndrome; Hereditary neoplastic syndrome. Identifiers: Orphanet 140162, MedGen C0027672, MeSH D009386, MONDO:0015356.

Submission:

Ambry Genetics
Classification: Uncertain significance for Hereditary cancer-predisposing syndrome. Last evaluated: 2026-06-12. Review status: criteria provided, single submitter. Criteria: Ambry Variant Classification Scheme 2023. Collection method: clinical testing. Allele origin: germline.
Comment: The p.Q750R variant (also known as c.2249A>G), located in coding exon 15 of the MSH3 gene, results from an A to G substitution at nucleotide position 2249. The glutamine at codon 750 is replaced by arginine, an amino acid with highly similar properties. This amino acid position is conserved. In addition, the in silico prediction for this alteration is inconclusive. Based on the available evidence, the clinical significance of this variant remains unclear.